The following is an entry in ClinVar:

NM_006206.6(PDGFRA):c.1247C>G (p.Ser416Cys)

Gene: PDGFRA (platelet derived growth factor receptor alpha; plus strand). Cytogenetic location: 4q12.
Variant type: single nucleotide variant.
Coding change: c.1247C>G on transcript NM_006206.6 (MANE Select); coding-DNA position 1247, C replaced by G.
Protein change: p.Ser416Cys; replaces serine 416 with cysteine.
Molecular consequence: missense variant.
Genome position (GRCh38, 1-based): chr4:54,272,403, C>G. VCF-style: chr4-54272403-C-G. GRCh37 (hg19) VCF-style: chr4-55138570-C-G.
Other names: c.1247C>G, p.Ser416Cys (NM_001347827.2, NM_001347829.2); c.1322C>G, p.Ser441Cys (NM_001347828.2); c.1286C>G, p.Ser429Cys (NM_001347830.2); short protein forms S416C, S429C, S441C.
Identifiers: ClinVar variation 1721307 (VCV001721307.6), dbSNP rs2110286711, ClinGen allele CA356892154.

ClinVar aggregate classification (germline): Uncertain significance (1 of 4 stars; one submission).

Conditions:
Gastrointestinal stromal tumor. Also called: Gastrointestinal stroma tumor; Gastrointestinal stromal tumor, somatic. Identifiers: Orphanet 44890, MedGen C0238198, MeSH D046152, MONDO:0011719, OMIM 606764, HP:0100723.

Submission:

Labcorp Genetics (formerly Invitae), Labcorp
Classification: Uncertain significance for Gastrointestinal stromal tumor. Last evaluated: 2022-10-08. Review status: criteria provided, single submitter. Criteria: Invitae Variant Classification Sherloc (09022015). Collection method: clinical testing. Allele origin: germline.
Comment: In summary, the available evidence is currently insufficient to determine the role of this variant in disease. Therefore, it has been classified as a Variant of Uncertain Significance. Advanced modeling of protein sequence and biophysical properties (such as structural, functional, and spatial information, amino acid conservation, physicochemical variation, residue mobility, and thermodynamic stability) performed at Invitae indicates that this missense variant is not expected to disrupt PDGFRA protein function. This variant has not been reported in the literature in individuals affected with PDGFRA-related conditions. This variant is not present in population databases (gnomAD no frequency). This sequence change replaces serine, which is neutral and polar, with cysteine, which is neutral and slightly polar, at codon 416 of the PDGFRA protein (p.Ser416Cys).